The following is an entry in ClinVar:

ClinVar aggregate classification (germline): Likely benign. Review status: criteria provided, single submitter (1 of 4 stars). 2 submissions from 2 submitters: Likely benign (1). 1 of the submissions does not count toward it. Last evaluated 2022-05-05.

Conditions:
IFT74-related disorder. Also called: IFT74-related condition; IFT74-Related Disorders.

Allele frequency attached by ClinVar (database versions not stated): gnomAD 0.00001; ExAC 0.00002; TOPMed 0.00003; ESP Exome Variant Server 0.00009.
gnomAD v4.1: 12 of 1,484,000 alleles (0.00081%); highest among the groups gnomAD compares: Middle Eastern, 0.018%; no homozygotes.

Submissions (2):

Labcorp Genetics (formerly Invitae), Labcorp
Classification: Likely benign. Last evaluated: 2022-05-05. Review status: criteria provided, single submitter. Criteria: Invitae Variant Classification Sherloc (09022015). Collection method: clinical testing. Allele origin: germline.

PreventionGenetics, part of Exact Sciences
Classification: Likely benign for IFT74-related condition. Last evaluated: 2024-09-25. Review status: no assertion criteria provided. Collection method: clinical testing. Allele origin: germline. Not counted in ClinVar's aggregate classification.
Comment: This variant is classified as likely benign based on ACMG/AMP sequence variant interpretation guidelines (Richards et al. 2015 PMID: 25741868, with internal and published modifications).

NM_025103.4(IFT74):c.526-10C>T

Gene: IFT74 (intraflagellar transport 74; plus strand). Cytogenetic location: 9p21.2.
Variant type: single nucleotide variant.
Coding change: c.526-10C>T on transcript NM_025103.4 (MANE Select); 10 bases into the intron before coding-DNA position 526, C replaced by T.
Molecular consequence: intron variant.
Genome position (GRCh38, 1-based): chr9:26,990,124, C>T. VCF-style: chr9-26990124-C-T. GRCh37 (hg19) VCF-style: chr9-26990122-C-T.
Other names: c.526-10C>T (NM_025103.2, NM_001099223.3, NM_001099222.3 and 2 more transcripts).
Identifiers: ClinVar variation 2181693 (VCV002181693.5), dbSNP rs369348157, ClinGen allele CA5015007.